The following is an entry in ClinVar:

ClinVar aggregate classification (germline): Conflicting classifications of pathogenicity. Review status: criteria provided, conflicting classifications (1 of 4 stars). 5 submissions from 5 submitters: Uncertain significance (3); Benign (1); Likely benign (1). Last evaluated 2025-06-23.

Conditions:
Seizures-scoliosis-macrocephaly syndrome. Also called: Seizures, scoliosis, and macrocephaly syndrome; SEIZURES, SCOLIOSIS, AND MACROCEPHALY/MICROCEPHALY SYNDROME. Identifiers: Orphanet 466926, MedGen C4225248, MONDO:0014731, OMIM 616682.
Exostoses, multiple, type 2 (EXT2). Also called: Hereditary Multiple Osteochondromatosis, Type II; EXOSTOSES, MULTIPLE, TYPE II. Identifiers: Orphanet 321, MedGen C1851413, MONDO:0007586, OMIM 133701.

Allele frequency attached by ClinVar (database versions not stated): gnomAD 0.00005 and 0.00007; gnomAD exomes 0.00006 and 0.00012; TOPMed 0.00006; ExAC 0.00012; 1000 Genomes Project 0.00040; 1000 Genomes Project 30x 0.00047.

Submissions (5):

Labcorp Genetics (formerly Invitae), Labcorp
Classification: Benign for Exostoses, multiple, type 2. Last evaluated: 2025-06-23. Review status: criteria provided, single submitter. Criteria: Invitae Variant Classification Sherloc (09022015). Collection method: clinical testing. Allele origin: germline.

Revvity Omics, Revvity
Classification: Uncertain significance. Last evaluated: 2024-08-27. Review status: criteria provided, single submitter. Criteria: ACMG Guidelines, 2015. Collection method: clinical testing. Allele origin: germline.

Fulgent Genetics
Classification: Uncertain significance for Exostoses, multiple, type 2; Seizures-scoliosis-macrocephaly syndrome. Last evaluated: 2024-02-02. Review status: criteria provided, single submitter. Criteria: ACMG Guidelines, 2015. Collection method: clinical testing. Allele origin: germline.

Illumina Laboratory Services, Illumina
Classification: Likely benign for Exostoses, multiple, type 2. Last evaluated: 2017-04-28. Review status: criteria provided, single submitter. Criteria: ICSL Variant Classification Criteria 13 December 2019. Collection method: clinical testing. Allele origin: germline.
Comment: This variant was observed as part of a predisposition screen in an ostensibly healthy population. A literature search was performed for the gene, cDNA change, and amino acid change (where applicable). No publications were found based on this search. Allele frequency data from public databases allowed determination this variant is unlikely to cause disease. Therefore, this variant is classified as likely benign.

Eurofins Ntd Llc (ga)
Classification: Uncertain significance. Last evaluated: 2015-01-17. Review status: criteria provided, single submitter. Criteria: EGL Classification Definitions 2015. Collection method: clinical testing. Allele origin: germline. Observed: 1 variant allele, 1 heterozygote.

NM_207122.2(EXT2):c.284G>A (p.Arg95His)

Gene: EXT2 (exostosin glycosyltransferase 2; plus strand). Cytogenetic location: 11p11.2.
Variant type: single nucleotide variant.
Coding change: c.284G>A on transcript NM_207122.2 (MANE Select); coding-DNA position 284, G replaced by A.
Protein change: p.Arg95His; replaces arginine 95 with histidine.
Molecular consequence: missense variant.
Genome position (GRCh38, 1-based): chr11:44,107,996, G>A. VCF-style: chr11-44107996-G-A. GRCh37 (hg19) VCF-style: chr11-44129546-G-A.
Other names: c.383G>A, p.Arg128His (NM_000401.3); c.284G>A, p.Arg95His (NM_001178083.3, NM_001389628.1, NM_001389630.1); short protein forms R128H, R95H.
Identifiers: ClinVar variation 195446 (VCV000195446.19), dbSNP rs143703574, ClinGen allele CA241871.